The following is an entry in ClinVar:

NM_001134407.3(GRIN2A):c.1331A>G (p.Asn444Ser)

Gene: GRIN2A (glutamate ionotropic receptor NMDA type subunit 2A; minus strand). Cytogenetic location: 16p13.2.
Variant type: single nucleotide variant.
Coding change: c.1331A>G on transcript NM_001134407.3 (MANE Select); coding-DNA position 1331, A replaced by G.
Protein change: p.Asn444Ser; replaces asparagine 444 with serine.
Molecular consequence: missense variant.
Genome position (GRCh38, 1-based): chr16:9,841,102, T>C on the plus strand (A>G on the coding strand, the complement: GRIN2A is on the minus strand). VCF-style: chr16-9841102-T-C. GRCh37 (hg19) VCF-style: chr16-9934959-T-C.
Other names: c.1331A>G, p.Asn444Ser (NM_000833.5, NM_001134408.2); short protein forms N444S.
Identifiers: ClinVar variation 951858 (VCV000951858.7), dbSNP rs747167014, ClinGen allele CA7896739.

ClinVar aggregate classification (germline): Uncertain significance (1 of 4 stars; one submission).

Conditions:
Landau-Kleffner syndrome (FESD). Also called: EPILEPSY, FOCAL, WITH SPEECH DISORDER AND WITH OR WITHOUT MENTAL RETARDATION; APHASIA, ACQUIRED, WITH EPILEPSY. Identifiers: Orphanet 1945, Orphanet 725, Orphanet 98818, MedGen C0282512, MONDO:0009509, OMIM 245570.

Allele frequency attached by ClinVar (database versions not stated): gnomAD exomes below 0.00001 and 0.00001; ExAC 0.00002; gnomAD 0.00001.
gnomAD v4.1: 15 of 1,613,120 alleles (0.00093%); highest among the groups gnomAD compares: African/African-American, 0.0027%; no homozygotes.

Submission:

Labcorp Genetics (formerly Invitae), Labcorp
Classification: Uncertain significance for Landau-Kleffner syndrome. Last evaluated: 2024-01-19. Review status: criteria provided, single submitter. Criteria: Invitae Variant Classification Sherloc (09022015). Collection method: clinical testing. Allele origin: germline.
Comment: This sequence change replaces asparagine, which is neutral and polar, with serine, which is neutral and polar, at codon 444 of the GRIN2A protein (p.Asn444Ser). This variant is present in population databases (rs747167014, gnomAD 0.0009%). This variant has not been reported in the literature in individuals affected with GRIN2A-related conditions. ClinVar contains an entry for this variant (Variation ID: 951858). An algorithm developed to predict the effect of missense changes on protein structure and function (PolyPhen-2) suggests that this variant is likely to be tolerated. Algorithms developed to predict the effect of sequence changes on RNA splicing suggest that this variant may create or strengthen a splice site. In summary, the available evidence is currently insufficient to determine the role of this variant in disease. Therefore, it has been classified as a Variant of Uncertain Significance.